The following is an entry in ClinVar:

ClinVar aggregate classification (germline): Likely benign. Review status: criteria provided, multiple submitters, no conflicts (2 of 4 stars). 3 submissions from 3 submitters: Likely benign (3). Last evaluated 2026-01-19.

Allele frequency attached by ClinVar (database versions not stated): ExAC 0.00006; gnomAD 0.00006; gnomAD exomes 0.00007 and 0.00009; TOPMed 0.00008.
gnomAD v4.1: 147 of 1,607,906 alleles (0.0091%); highest among the groups gnomAD compares: Non-Finnish European, 0.011%; 1 homozygote.

Submissions (3):

Labcorp Genetics (formerly Invitae), Labcorp
Classification: Likely benign. Last evaluated: 2026-01-19. Review status: criteria provided, single submitter. Criteria: Invitae Variant Classification Sherloc (09022015). Collection method: clinical testing. Allele origin: germline.

Blueprint Genetics
Classification: Likely benign. Last evaluated: 2024-11-22. Review status: criteria provided, single submitter. Criteria: ACMG Guidelines, 2015. Collection method: clinical testing. Allele origin: germline.

CeGaT Center for Human Genetics Tuebingen
Classification: Likely benign. Last evaluated: 2024-03-01. Review status: criteria provided, single submitter. Criteria: CeGaT Center For Human Genetics Tuebingen Variant Classification Criteria Version 2. Collection method: clinical testing. Allele origin: germline. Affected: yes. Observed: 3 variant alleles.
Comment: RERE: BP4

NM_001042681.2(RERE):c.3699G>A (p.Glu1233=)

Gene: RERE (arginine-glutamic acid dipeptide repeats; minus strand). Cytogenetic location: 1p36.23.
Variant type: single nucleotide variant.
Coding change: c.3699G>A on transcript NM_001042681.2 (MANE Select); coding-DNA position 3699, G replaced by A.
Protein change: p.Glu1233=; no amino-acid change (glutamic acid 1233 retained).
Molecular consequence: synonymous variant.
Genome position (GRCh38, 1-based): chr1:8,358,836, C>T on the plus strand (G>A on the coding strand, the complement: RERE is on the minus strand). VCF-style: chr1-8358836-C-T. GRCh37 (hg19) VCF-style: chr1-8418896-C-T.
Other names: c.2037G>A, p.Glu679= (NM_001042682.2); c.3699G>A, p.Glu1233= (NM_012102.4).
Identifiers: ClinVar variation 1567157 (VCV001567157.33), dbSNP rs761098792, ClinGen allele CA571007.